The following is an entry in ClinVar:

ClinVar aggregate classification (germline): Likely benign (1 of 4 stars; one submission).

Conditions:
NALCN-related disorder. Also called: NALCN-related condition; NALCN-related disorders.

gnomAD v4.1: 42 of 1,610,188 alleles (0.0026%); highest among the groups gnomAD compares: Non-Finnish European, 0.0033%; no homozygotes.

Submission:

PreventionGenetics, part of Exact Sciences
Classification: Likely benign for NALCN-related condition. Last evaluated: 2025-03-26. Review status: criteria provided, single submitter. Criteria: ACMG Guidelines, 2015. Collection method: clinical testing. Allele origin: germline.
Comment: This variant is classified as likely benign based on ACMG/AMP sequence variant interpretation guidelines (Richards et al. 2015 PMID: 25741868, with internal and published modifications).

NM_052867.4(NALCN):c.1953A>G (p.Ser651=)

Gene: NALCN (sodium leak channel, non-selective; minus strand). Cytogenetic location: 13q33.1.
Variant type: single nucleotide variant.
Coding change: c.1953A>G on transcript NM_052867.4 (MANE Select); coding-DNA position 1953, A replaced by G.
Protein change: p.Ser651=; no amino-acid change (serine 651 retained).
Molecular consequence: synonymous variant.
Genome position (GRCh38, 1-based): chr13:101,144,783, T>C on the plus strand (A>G on the coding strand, the complement: NALCN is on the minus strand). VCF-style: chr13-101144783-T-C. GRCh37 (hg19) VCF-style: chr13-101797134-T-C.
Other names: c.1953A>G, p.Ser651= (NM_001350748.2, NM_001350749.2); c.1866A>G, p.Ser622= (NM_001350750.2, NM_001350751.2).
Identifiers: ClinVar variation 4977595 (VCV004977595.1).